The following is an entry in ClinVar:

ClinVar aggregate classification (germline): Uncertain significance (1 of 4 stars; one submission).

Submissions (2):

Labcorp Genetics (formerly Invitae), Labcorp
Classification: Uncertain significance. Last evaluated: 2022-01-12. Review status: criteria provided, single submitter. Criteria: Invitae Variant Classification Sherloc (09022015). Collection method: clinical testing. Allele origin: germline.
Comment: This variant has not been reported in the literature in individuals affected with CLCN5-related conditions. This sequence change affects codon 626 of the CLCN5 mRNA. It is a 'silent' change, meaning that it does not change the encoded amino acid sequence of the CLCN5 protein. This variant is not present in population databases (gnomAD no frequency). Algorithms developed to predict the effect of sequence changes on RNA splicing suggest that this variant may create or strengthen a splice site. In summary, the available evidence is currently insufficient to determine the role of this variant in disease. Therefore, it has been classified as a Variant of Uncertain Significance.

Dr. Peter K. Rogan Lab, Western University
No classification provided (evidence only). Condition: Nonpapillary renal cell carcinoma. Review status: no classification provided. Collection method: in vitro. Allele origin: not applicable. Functional consequence: retained intron. Not counted in ClinVar's aggregate classification.

NM_001127898.4(CLCN5):c.2088G>T (p.Arg696=)

Genes: CLCN5 (chloride voltage-gated channel 5; plus strand), LOC126863258 (BRD4-independent group 4 enhancer GRCh37_chrX:49854497-49855696; plus strand). Cytogenetic location: Xp11.23.
Variant type: single nucleotide variant.
Coding change: c.2088G>T on transcript NM_001127898.4 (MANE Select); coding-DNA position 2088, G replaced by T.
Protein change: p.Arg696=; no amino-acid change (arginine 696 retained).
Molecular consequence: synonymous variant.
Genome position (GRCh38, 1-based): chrX:50,090,459, G>T. VCF-style: chrX-50090459-G-T. GRCh37 (hg19) VCF-style: chrX-49855116-G-T.
Other names: c.1878G>T, p.Arg626= (NM_000084.5); c.2088G>T, p.Arg696= (NM_001127899.4); c.1938G>T, p.Arg646= (NM_001282163.2).
Identifiers: ClinVar variation 2080803 (VCV002080803.5), dbSNP rs2519445634, ClinGen allele CA516678836.